The following is an entry in ClinVar:

ClinVar aggregate classification (germline): Likely pathogenic (1 of 4 stars; one submission).

Submission:

Quest Diagnostics Nichols Institute San Juan Capistrano
Classification: Likely pathogenic. Last evaluated: 2022-03-22. Review status: criteria provided, single submitter. Criteria: ACMG/ClinGen CNV Guidelines, 2019. Collection method: clinical testing. Allele origin: unknown.
Comment: This deletion of Xq28 involves multiple genes including TMLHE (OMIM300777), which is involved in carnitine metabolism. Hemizygous loss-of-function and missense variants in TMLHE have been reported in association with autism spectrum disorders (OMIM 300872, Nava 2012,Lim 2013, Ziats 2015). Additionally, partial losses of TMLHE have been reported in cases of autism and schizophrenia; however, the presence of these losses in control populations suggests reduced penetrance (Kushima 2017, Kushima 2018, Celestino-Soper 2011). Male ASD probands hemizygous for the partial deletion of TMLHE often inherit it from an unaffected heterozygous mother. Some probands have been reported to respond favorably to carnitine supplementation (Ziats 2015). Though the smaller deletions reported in this interval in the literature in association with autism spectrum disorders are also present in the general populations of the Database of Genomic Variants, there are no similar copy number losses of the whole-gene interval seen in this patient in the general populations of the Database of Genomic Variants. At this time, this deletion can be described as a susceptibility locus with variable phenotypic expressivity and incomplete penetrance, possibly influenced by additional genetic and/or non-genetic modifiers. Thus, it is interpreted as likely pathogenic with reduced penetrance, and an abnormal phenotype is not fully predictable. References: Celestino-Soper et al. Hum Mol Genet. 2011;20(22):4360-70. PMID:21865298. Kushima et al. Mol Psychiatry. 2017;22(3):430-440. PMID: 27240532. Kushima et al. Cell Rep. 2018;24(11):2838-2856. PMID: 30208311.Lim et al. Neuron. 2013;77(2):235-42. PMID: 23352160. Nava et al. Transl Psychiatry. 2012;2(10):e179. PMID: 23092983. Ziats et al. Am J Med Genet A. 2015;167A(9):2162-7. PMID: 25943046.

GRCh37/hg19 Xq28(chrX:154697070-155233731)x0

Gene: TMLHE (trimethyllysine hydroxylase, epsilon; minus strand). Cytogenetic location: Xq28.
Variant type: copy number loss.
Change: copy number 0 of chrX:154,697,070-155,233,731 (536.7 kb, GRCh37 coordinates, 1-based), cytogenetic band Xq28.
Identifiers: ClinVar variation 1808573 (VCV001808573.1).